The following is an entry in ClinVar:

ClinVar aggregate classification (germline): Uncertain significance. Review status: criteria provided, multiple submitters, no conflicts (2 of 4 stars). 2 submissions from 2 submitters: Uncertain significance (2). Last evaluated 2025-12-10.

Conditions:
Inborn genetic diseases. Identifiers: MedGen C0950123, MeSH D030342.

Allele frequency attached by ClinVar (database versions not stated): gnomAD exomes 0.00007; TOPMed 0.00002; ESP Exome Variant Server 0.00008; ExAC 0.00001; gnomAD 0.00003.
gnomAD v4.1: 103 of 1,613,666 alleles (0.0064%); highest among the groups gnomAD compares: Non-Finnish European, 0.0086%; no homozygotes.

Submissions (2):

Ambry Genetics
Classification: Uncertain significance for Inborn genetic diseases. Last evaluated: 2025-12-10. Review status: criteria provided, single submitter. Criteria: Ambry Variant Classification Scheme 2023. Collection method: clinical testing. Allele origin: germline.

Labcorp Genetics (formerly Invitae), Labcorp
Classification: Uncertain significance. Last evaluated: 2024-10-30. Review status: criteria provided, single submitter. Criteria: Invitae Variant Classification Sherloc (09022015). Collection method: clinical testing. Allele origin: germline.
Comment: This sequence change replaces lysine, which is basic and polar, with glutamic acid, which is acidic and polar, at codon 1910 of the DMXL2 protein (p.Lys1910Glu). This variant is present in population databases (rs376692955, gnomAD 0.003%). This variant has not been reported in the literature in individuals affected with DMXL2-related conditions. ClinVar contains an entry for this variant (Variation ID: 2184650). An algorithm developed to predict the effect of missense changes on protein structure and function (PolyPhen-2) suggests that this variant¬†is likely to be tolerated. In summary, the available evidence is currently insufficient to determine the role of this variant in disease. Therefore, it has been classified as a Variant of Uncertain Significance.

NM_001378457.1(DMXL2):c.5728A>G (p.Lys1910Glu)

Gene: DMXL2 (Dmx like 2; minus strand). Cytogenetic location: 15q21.2.
Variant type: single nucleotide variant.
Coding change: c.5728A>G on transcript NM_001378457.1 (MANE Select); coding-DNA position 5728, A replaced by G.
Protein change: p.Lys1910Glu; replaces lysine 1910 with glutamic acid.
Molecular consequence: missense variant. On other transcripts: non-coding transcript variant (2).
Genome position (GRCh38, 1-based): chr15:51,481,378, T>C on the plus strand (A>G on the coding strand, the complement: DMXL2 is on the minus strand). VCF-style: chr15-51481378-T-C. GRCh37 (hg19) VCF-style: chr15-51773575-T-C.
Other names: c.5728A>G, p.Lys1910Glu (NM_001174116.3, NM_001378458.1, NM_001378459.1 and 4 more transcripts); c.3820A>G, p.Lys1274Glu (NM_001174117.3); c.3709A>G, p.Lys1237Glu (NM_001378460.1); c.5488A>G, p.Lys1830Glu (NM_001378464.1); c.5728A>G (NM_001174116.1); short protein forms K1830E, K1910E, K1237E, K1274E.
Identifiers: ClinVar variation 2184650 (VCV002184650.4), dbSNP rs376692955, ClinGen allele CA7561756.
Genomic context (GRCh38, chr15:51,481,378, plus strand): 5'-TGTGAGAAATGAAGTCAGGCTGATCTTTTTTTGCAGATAAGGCAGATGTTTTGGTTACTT[T>C]TGGAATTTTGGAGAGTACCTCCAAGGCTAAAACAGGGCATCCAACTTTAAAATGAGCATT-3'
Protein context (NP_001365386.1, residues 1900-1920): LALEVLSKIP[Lys1910Glu]VTKTSALSAK